The following is an entry in ClinVar:

ClinVar aggregate classification (germline): Uncertain significance (1 of 4 stars; one submission).

Allele frequency attached by ClinVar (database versions not stated): TOPMed 0.00002; gnomAD exomes 0.00001; gnomAD 0.00001; ExAC 0.00005.
gnomAD v4.1: 22 of 1,551,334 alleles (0.0014%); highest among the groups gnomAD compares: Admixed American, 0.002%; no homozygotes.

Submission:

Labcorp Genetics (formerly Invitae), Labcorp
Classification: Uncertain significance. Last evaluated: 2022-07-14. Review status: criteria provided, single submitter. Criteria: Invitae Variant Classification Sherloc (09022015). Collection method: clinical testing. Allele origin: germline.
Comment: Algorithms developed to predict the effect of sequence changes on RNA splicing suggest that this variant may create or strengthen a splice site. In summary, the available evidence is currently insufficient to determine the role of this variant in disease. Therefore, it has been classified as a Variant of Uncertain Significance. Algorithms developed to predict the effect of missense changes on protein structure and function are either unavailable or do not agree on the potential impact of this missense change (SIFT: "Not Available"; PolyPhen-2: "Benign"; Align-GVGD: "Not Available"). This sequence change replaces methionine, which is neutral and non-polar, with valine, which is neutral and non-polar, at codon 840 of the UNC80 protein (p.Met840Val). This variant is present in population databases (rs764764040, gnomAD 0.002%). This variant has not been reported in the literature in individuals affected with UNC80-related conditions. ClinVar contains an entry for this variant (Variation ID: 1376663).

NM_001371986.1(UNC80):c.2518A>G (p.Met840Val)

Gene: UNC80 (unc-80 homolog, NALCN channel complex subunit; plus strand). Cytogenetic location: 2q34.
Variant type: single nucleotide variant.
Coding change: c.2518A>G on transcript NM_001371986.1 (MANE Select); coding-DNA position 2518, A replaced by G.
Protein change: p.Met840Val; replaces methionine 840 with valine.
Molecular consequence: missense variant.
Genome position (GRCh38, 1-based): chr2:209,829,271, A>G. VCF-style: chr2-209829271-A-G. GRCh37 (hg19) VCF-style: chr2-210693995-A-G.
Other names: c.2518A>G, p.Met840Val (NM_032504.2); c.2503A>G, p.Met835Val (NM_182587.4); short protein forms M835V, M840V.
Identifiers: ClinVar variation 1376663 (VCV001376663.7), dbSNP rs764764040, ClinGen allele CA2083029.